The following is an entry in ClinVar:

NM_006361.6(HOXB13):c.435C>A (p.Asp145Glu)

Gene: HOXB13 (homeobox B13; minus strand). Cytogenetic location: 17q21.32.
Variant type: single nucleotide variant.
Coding change: c.435C>A on transcript NM_006361.6 (MANE Select); coding-DNA position 435, C replaced by A.
Protein change: p.Asp145Glu; replaces aspartic acid 145 with glutamic acid.
Molecular consequence: missense variant.
Genome position (GRCh38, 1-based): chr17:48,728,159, G>T on the plus strand (C>A on the coding strand, the complement: HOXB13 is on the minus strand). VCF-style: chr17-48728159-G-T. GRCh37 (hg19) VCF-style: chr17-46805521-G-T.
Other names: short protein forms D145E.
Identifiers: ClinVar variation 962443 (VCV000962443.14), dbSNP rs2038233372, ClinGen allele CA400107458.

ClinVar aggregate classification (germline): Uncertain significance. Review status: criteria provided, multiple submitters, no conflicts (2 of 4 stars). 3 submissions from 3 submitters: Uncertain significance (3). Last evaluated 2025-06-11.

Conditions:
Hereditary cancer-predisposing syndrome. Also called: Tumor predisposition; Hereditary neoplastic syndrome; Hereditary Cancer Syndrome; Neoplastic Syndromes, Hereditary. Identifiers: Orphanet 140162, MedGen C0027672, MeSH D009386, MONDO:0015356.

Allele frequency attached by ClinVar (database versions not stated): TOPMed 0.00001.

Submissions (3):

GeneDx
Classification: Uncertain significance. Last evaluated: 2025-06-11. Review status: criteria provided, single submitter. Criteria: GeneDx Variant Classification Process June 2021. Collection method: clinical testing. Allele origin: germline. Affected: yes.
Comment: Not observed at significant frequency in large population cohorts (gnomAD); In silico analysis supports that this missense variant has a deleterious effect on protein structure/function; Has not been previously published as pathogenic or benign to our knowledge; This variant is associated with the following publications: (PMID: 15617687)

Ambry Genetics
Classification: Uncertain significance for Hereditary cancer-predisposing syndrome. Last evaluated: 2025-02-27. Review status: criteria provided, single submitter. Criteria: Ambry Variant Classification Scheme 2023. Collection method: clinical testing. Allele origin: germline.
Comment: The p.D145E variant (also known as c.435C>A), located in coding exon 1 of the HOXB13 gene, results from a C to A substitution at nucleotide position 435. The aspartic acid at codon 145 is replaced by glutamic acid, an amino acid with highly similar properties. This amino acid position is conserved. In addition, the in silico prediction for this alteration is inconclusive. Since supporting evidence is limited at this time, the clinical significance of this alteration remains unclear.

Labcorp Genetics (formerly Invitae), Labcorp
Classification: Uncertain significance. Last evaluated: 2024-09-11. Review status: criteria provided, single submitter. Criteria: Invitae Variant Classification Sherloc (09022015). Collection method: clinical testing. Allele origin: germline.
Comment: This sequence change replaces aspartic acid, which is acidic and polar, with glutamic acid, which is acidic and polar, at codon 145 of the HOXB13 protein (p.Asp145Glu). This variant is not present in population databases (gnomAD no frequency). This variant has not been reported in the literature in individuals affected with HOXB13-related conditions. ClinVar contains an entry for this variant (Variation ID: 962443). Invitae Evidence Modeling of protein sequence and biophysical properties (such as structural, functional, and spatial information, amino acid conservation, physicochemical variation, residue mobility, and thermodynamic stability) indicates that this missense variant is not expected to disrupt HOXB13 protein function with a negative predictive value of 80%. In summary, the available evidence is currently insufficient to determine the role of this variant in disease. Therefore, it has been classified as a Variant of Uncertain Significance.